The following is an entry in ClinVar:

ClinVar aggregate classification (germline): Likely benign. Review status: criteria provided, multiple submitters, no conflicts (2 of 4 stars). 2 submissions from 2 submitters: Likely benign (2). Last evaluated 2025-12-04.

Allele frequency attached by ClinVar (database versions not stated): TOPMed 0.00002; ExAC 0.00006; gnomAD exomes 0.00004; gnomAD 0.00006.

Submissions (2):

Mayo Clinic Laboratories, Mayo Clinic
Classification: Likely benign. Last evaluated: 2025-12-04. Review status: criteria provided, single submitter. Criteria: ACMG Guidelines, 2015. Collection method: clinical testing. Allele origin: germline. Observed: 1 variant allele.
Comment: BP4, BP7

Labcorp Genetics (formerly Invitae), Labcorp
Classification: Likely benign. Last evaluated: 2025-10-06. Review status: criteria provided, single submitter. Criteria: Invitae Variant Classification Sherloc (09022015). Collection method: clinical testing. Allele origin: germline.

NM_001126108.2(SLC12A3):c.447C>T (p.Asn149=)

Gene: SLC12A3 (solute carrier family 12 member 3; plus strand). Cytogenetic location: 16q13.
Variant type: single nucleotide variant.
Coding change: c.447C>T on transcript NM_001126108.2 (MANE Select); coding-DNA position 447, C replaced by T.
Protein change: p.Asn149=; no amino-acid change (asparagine 149 retained).
Molecular consequence: synonymous variant.
Genome position (GRCh38, 1-based): chr16:56,868,314, C>T. VCF-style: chr16-56868314-C-T. GRCh37 (hg19) VCF-style: chr16-56902226-C-T.
Other names: p.Asn149=; c.447C>T, p.Asn149= (NM_000339.3); c.444C>T, p.Asn148= (NM_001126107.2).
Identifiers: ClinVar variation 729452 (VCV000729452.9), dbSNP rs756323602, ClinGen allele CA8069040.